The following is an entry in ClinVar:

NM_000081.4(LYST):c.10669G>T (p.Val3557Leu)

Gene: LYST (lysosomal trafficking regulator; minus strand). Cytogenetic location: 1q42.3.
Variant type: single nucleotide variant.
Coding change: c.10669G>T on transcript NM_000081.4 (MANE Select); coding-DNA position 10669, G replaced by T.
Protein change: p.Val3557Leu; replaces valine 3557 with leucine.
Molecular consequence: missense variant.
Genome position (GRCh38, 1-based): chr1:235,693,382, C>A on the plus strand (G>T on the coding strand, the complement: LYST is on the minus strand). VCF-style: chr1-235693382-C-A. GRCh37 (hg19) VCF-style: chr1-235856682-C-A.
Other names: c.10669G>T, p.Val3557Leu (NM_001301365.1); c.10669G>T (NM_000081.2); short protein forms V3557L.
Identifiers: ClinVar variation 576012 (VCV000576012.31), dbSNP rs148389013, ClinGen allele CA1465316.

ClinVar aggregate classification (germline): Uncertain significance. Review status: criteria provided, multiple submitters, no conflicts (2 of 4 stars). 4 submissions from 4 submitters: Uncertain significance (4). Last evaluated 2024-09-04.

Conditions:
Chédiak-Higashi syndrome (CHS). Also called: Chediak-Higashi Syndrome. Identifiers: Orphanet 167, MedGen C0007965, MONDO:0008963, OMIM 214500.
Inborn genetic diseases. Identifiers: MedGen C0950123, MeSH D030342.

Allele frequency attached by ClinVar (database versions not stated): gnomAD exomes 0.00002; ExAC 0.00009; gnomAD 0.00022; TOPMed 0.00024; 1000 Genomes Project 30x 0.00031; 1000 Genomes Project 0.00040; ESP Exome Variant Server 0.00054.
gnomAD v4.1: 63 of 1,613,108 alleles (0.0039%); highest among the groups gnomAD compares: African/African-American, 0.083%; no homozygotes.

Submissions (4):

Revvity Omics, Revvity
Classification: Uncertain significance for Chédiak-Higashi syndrome. Last evaluated: 2024-09-04. Review status: criteria provided, single submitter. Criteria: ACMG Guidelines, 2015. Collection method: clinical testing. Allele origin: germline.

CeGaT Center for Human Genetics Tuebingen
Classification: Uncertain significance. Last evaluated: 2024-01-01. Review status: criteria provided, single submitter. Criteria: CeGaT Center For Human Genetics Tuebingen Variant Classification Criteria Version 2. Collection method: clinical testing. Allele origin: germline. Affected: yes. Observed: 1 variant allele.
Comment: LYST: PM2, BP4

Labcorp Genetics (formerly Invitae), Labcorp
Classification: Uncertain significance for Chédiak-Higashi syndrome. Last evaluated: 2022-06-19. Review status: criteria provided, single submitter. Criteria: Invitae Variant Classification Sherloc (09022015). Collection method: clinical testing. Allele origin: germline.
Comment: This sequence change replaces valine, which is neutral and non-polar, with leucine, which is neutral and non-polar, at codon 3557 of the LYST protein (p.Val3557Leu). This variant is present in population databases (rs148389013, gnomAD 0.08%). This variant has not been reported in the literature in individuals affected with LYST-related conditions. ClinVar contains an entry for this variant (Variation ID: 576012). Algorithms developed to predict the effect of missense changes on protein structure and function (SIFT, PolyPhen-2, Align-GVGD) all suggest that this variant is likely to be tolerated. Algorithms developed to predict the effect of sequence changes on RNA splicing suggest that this variant may disrupt the consensus splice site. In summary, the available evidence is currently insufficient to determine the role of this variant in disease. Therefore, it has been classified as a Variant of Uncertain Significance.

Ambry Genetics
Classification: Uncertain significance for Inborn genetic diseases. Last evaluated: 2021-10-05. Review status: criteria provided, single submitter. Criteria: Ambry Variant Classification Scheme 2023. Collection method: clinical testing. Allele origin: germline.